The following is an entry in ClinVar:

NM_006031.6(PCNT):c.4792G>A (p.Asp1598Asn)

Gene: PCNT (pericentrin; plus strand). Cytogenetic location: 21q22.3.
Variant type: single nucleotide variant.
Coding change: c.4792G>A on transcript NM_006031.6 (MANE Select); coding-DNA position 4792, G replaced by A.
Protein change: p.Asp1598Asn; replaces aspartic acid 1598 with asparagine.
Molecular consequence: missense variant.
Genome position (GRCh38, 1-based): chr21:46,401,551, G>A. VCF-style: chr21-46401551-G-A. GRCh37 (hg19) VCF-style: chr21-47821465-G-A.
Other names: c.4438G>A, p.Asp1480Asn (NM_001315529.2); short protein forms D1598N, D1480N.
Identifiers: ClinVar variation 4998434 (VCV004998434.1).

ClinVar aggregate classification (germline): Uncertain significance (1 of 4 stars; one submission).

Conditions:
PCNT-related disorder. Also called: PCNT-related condition.

Submission:

PreventionGenetics, part of Exact Sciences
Classification: Uncertain significance for PCNT-related condition. Last evaluated: 2025-06-05. Review status: criteria provided, single submitter. Criteria: ACMG Guidelines, 2015. Collection method: clinical testing. Allele origin: germline.
Comment: The PCNT c.4792G>A variant is predicted to result in the amino acid substitution p.Asp1598Asn. To our knowledge, this variant has not been reported in the literature or in a large population database (gnomAD), indicating this variant is rare. At this time, the clinical significance of this variant is uncertain due to the absence of conclusive functional and genetic evidence.